The following is an entry in ClinVar:

ClinVar aggregate classification (germline): Uncertain significance (1 of 4 stars; one submission).

Conditions:
MEGF8-related Carpenter syndrome. Also called: Carpenter syndrome 2. Identifiers: Orphanet 65759, MedGen C3554247, MONDO:0013998, OMIM 614976.

Allele frequency attached by ClinVar (database versions not stated): TOPMed 0.00001; gnomAD 0.00002; gnomAD exomes 0.00002; 1000 Genomes Project 0.00020; 1000 Genomes Project 30x 0.00031.
gnomAD v4.1: 28 of 1,608,522 alleles (0.0017%); highest among the groups gnomAD compares: East Asian, 0.0045%; no homozygotes.

Submission:

Labcorp Genetics (formerly Invitae), Labcorp
Classification: Uncertain significance for MEGF8-related Carpenter syndrome. Last evaluated: 2022-05-19. Review status: criteria provided, single submitter. Criteria: Invitae Variant Classification Sherloc (09022015). Collection method: clinical testing. Allele origin: germline.
Comment: This sequence change replaces valine, which is neutral and non-polar, with methionine, which is neutral and non-polar, at codon 428 of the MEGF8 protein (p.Val428Met). This variant is present in population databases (rs200630623, gnomAD 0.003%). This missense change has been observed in individual(s) with craniosynostosis (PMID: 29168297). Algorithms developed to predict the effect of missense changes on protein structure and function are either unavailable or do not agree on the potential impact of this missense change (SIFT: "Tolerated"; PolyPhen-2: "Probably Damaging"; Align-GVGD: "Class C0"). In summary, the available evidence is currently insufficient to determine the role of this variant in disease. Therefore, it has been classified as a Variant of Uncertain Significance.

Literature cited by the submitters: PubMed 29168297.

NM_001271938.2(MEGF8):c.1282G>A (p.Val428Met)

Gene: MEGF8 (multiple EGF like domains 8; plus strand). Cytogenetic location: 19q13.2.
Variant type: single nucleotide variant.
Coding change: c.1282G>A on transcript NM_001271938.2 (MANE Select); coding-DNA position 1282, G replaced by A.
Protein change: p.Val428Met; replaces valine 428 with methionine.
Molecular consequence: missense variant.
Genome position (GRCh38, 1-based): chr19:42,336,844, G>A. VCF-style: chr19-42336844-G-A. GRCh37 (hg19) VCF-style: chr19-42840996-G-A.
Other names: c.1282G>A, p.Val428Met (NM_001410.3); short protein forms V428M.
Identifiers: ClinVar variation 2202687 (VCV002202687.1), dbSNP rs200630623, ClinGen allele CA9474405.